The following is an entry in ClinVar:

ClinVar aggregate classification (germline): Pathogenic (1 of 4 stars; one submission).

Submission:

GeneDx
Classification: Pathogenic. Last evaluated: 2024-08-08. Review status: criteria provided, single submitter. Criteria: GeneDx Variant Classification Process June 2021. Collection method: clinical testing. Allele origin: germline. Affected: yes.
Comment: Canonical splice site variant predicted to result in a null allele in a gene for which loss of function is a known mechanism of disease; Not observed in large population cohorts (gnomAD); Has not been previously published as pathogenic or benign to our knowledge

NM_001037.5(SCN1B):c.40+1G>A

Gene: SCN1B (sodium voltage-gated channel beta subunit 1; plus strand). Cytogenetic location: 19q13.11.
Variant type: single nucleotide variant.
Coding change: c.40+1G>A on transcript NM_001037.5 (MANE Select); the canonical splice donor site of the intron after coding-DNA position 40, G replaced by A.
Molecular consequence: splice donor variant.
Genome position (GRCh38, 1-based): chr19:35,030,861, G>A. VCF-style: chr19-35030861-G-A. GRCh37 (hg19) VCF-style: chr19-35521765-G-A.
Other names: c.40+1G>A (NM_199037.5).
Identifiers: ClinVar variation 3730944 (VCV003730944.1).